The following is an entry in ClinVar:

NM_020166.5(MCCC1):c.1303G>A (p.Ala435Thr)

Gene: MCCC1 (methylcrotonyl-CoA carboxylase subunit 1; minus strand). Cytogenetic location: 3q27.1.
Variant type: single nucleotide variant.
Coding change: c.1303G>A on transcript NM_020166.5 (MANE Select); coding-DNA position 1303, G replaced by A.
Protein change: p.Ala435Thr; replaces alanine 435 with threonine.
Molecular consequence: missense variant. On other transcripts: non-coding transcript variant (2).
Genome position (GRCh38, 1-based): chr3:183,039,100, C>T on the plus strand (G>A on the coding strand, the complement: MCCC1 is on the minus strand). VCF-style: chr3-183039100-C-T. GRCh37 (hg19) VCF-style: chr3-182756888-C-T.
Other names: c.1303G>A (NM_020166.4); c.952G>A, p.Ala318Thr (NM_001293273.2); c.976G>A, p.Ala326Thr (NM_001363880.1); short protein forms A435T, A318T, A326T.
Identifiers: ClinVar variation 649327 (VCV000649327.13), dbSNP rs142507365, ClinGen allele CA2718816.

ClinVar aggregate classification (germline): Conflicting classifications of pathogenicity. Review status: criteria provided, conflicting classifications (1 of 4 stars). 3 submissions from 3 submitters: Pathogenic (1); Uncertain significance (1). 1 of the submissions does not count toward it. Last evaluated 2026-07-02.

Conditions:
MCCC1-related disorder. Also called: MCCC1-related condition.
Methylcrotonyl-CoA carboxylase deficiency. Also called: Deficiency of methylcrotonoyl-CoA carboxylase; 3 Methylcrotonylglycinuria; 3-MCC Deficiency. Identifiers: Orphanet 6, MedGen C4551505, MONDO:0018950.
3-methylcrotonyl-CoA carboxylase 1 deficiency (MCC1D). Also called: METHYLCROTONYLGLYCINURIA TYPE I; MCCD TYPE 1; MCC 1 deficiency; 3 Alpha methylcrotonylglycinuria 1. Identifiers: Orphanet 6, MedGen CN028786, MONDO:0008861, OMIM 210200.

Allele frequency attached by ClinVar (database versions not stated): gnomAD exomes 0.00001; ExAC 0.00002; TOPMed 0.00006; gnomAD 0.00007; ESP Exome Variant Server 0.00008; 1000 Genomes Project 30x 0.00031; 1000 Genomes Project 0.00040.
gnomAD v4.1: 27 of 1,614,210 alleles (0.0017%); highest among the groups gnomAD compares: African/African-American, 0.032%; no homozygotes.

Submissions (3):

PreventionGenetics, part of Exact Sciences
Classification: Uncertain significance for MCCC1-related condition. Last evaluated: 2026-07-02. Review status: criteria provided, single submitter. Criteria: ACMG Guidelines, 2015. Collection method: clinical testing. Allele origin: germline.
Comment: The MCCC1 c.1303G>A variant is predicted to result in the amino acid substitution p.Ala435Thr. This variant was reported in the heterozygous state without a second MCCC1 variant in an individual with hypertrophic cardiomyopathy (Supplemental Table 2, Burstein et al. 2021. PubMed ID: 32746448). This variant is reported in 0.024% of alleles in individuals of African descent in gnomAD. At this time, the clinical significance of this variant is uncertain due to the absence of conclusive functional and genetic evidence.

Labcorp Genetics (formerly Invitae), Labcorp
Classification: Pathogenic for 3-methylcrotonyl-CoA carboxylase 1 deficiency. Last evaluated: 2025-12-21. Review status: criteria provided, single submitter. Criteria: Invitae Variant Classification Sherloc (09022015). Collection method: clinical testing. Allele origin: germline.
Comment: This sequence change replaces alanine, which is neutral and non-polar, with threonine, which is neutral and polar, at codon 435 of the MCCC1 protein (p.Ala435Thr). This variant is present in population databases (rs142507365, gnomAD 0.02%). This missense change has been observed in individual(s) with clinical features of 3 methylcrotonyl-CoA carboxylase deficiency (PMID: 32746448; internal data). In at least one individual the data is consistent with being in trans (on the opposite chromosome) from a pathogenic variant. ClinVar contains an entry for this variant (Variation ID: 649327). Invitae Evidence Modeling of protein sequence and biophysical properties (such as structural, functional, and spatial information, amino acid conservation, physicochemical variation, residue mobility, and thermodynamic stability) has been performed for this missense variant. However, the output from this modeling did not meet the statistical confidence thresholds required to predict the impact of this variant on MCCC1 protein function. For these reasons, this variant has been classified as Pathogenic.

Natera, Inc.
Classification: Uncertain significance for 3-methylcrotonylglycinuria. Last evaluated: 2020-09-16. Review status: no assertion criteria provided. Collection method: clinical testing. Allele origin: germline. Not counted in ClinVar's aggregate classification.

Literature cited by the submitters: PubMed 32746448 (cited by Labcorp Genetics (formerly Invitae), Labcorp).